The following is an entry in ClinVar:

ClinVar aggregate classification (germline): Uncertain significance (1 of 4 stars; one submission).

Allele frequency attached by ClinVar (database versions not stated): ExAC 0.00001; TOPMed 0.00001.

Submission:

GeneDx
Classification: Uncertain significance. Last evaluated: 2022-03-10. Review status: criteria provided, single submitter. Criteria: GeneDx Variant Classification Process June 2021. Collection method: clinical testing. Allele origin: germline. Affected: yes.
Comment: In silico analysis supports that this missense variant has a deleterious effect on protein structure/function; Has not been previously published as pathogenic or benign to our knowledge

NM_001372044.2(SHANK3):c.4750C>T (p.Arg1584Cys)

Gene: SHANK3 (SH3 and multiple ankyrin repeat domains 3; plus strand). Cytogenetic location: 22q13.33.
Variant type: single nucleotide variant.
Coding change: c.4750C>T on transcript NM_001372044.2 (MANE Select); coding-DNA position 4750, C replaced by T.
Protein change: p.Arg1584Cys; replaces arginine 1584 with cysteine.
Molecular consequence: missense variant.
Genome position (GRCh38, 1-based): chr22:50,722,358, C>T. VCF-style: chr22-50722358-C-T. GRCh37 (hg19) VCF-style: chr22-51160786-C-T.
Other names: c.4525C>T, p.Arg1509Cys (NM_033517.1); short protein forms R1509C, R1584C.
Identifiers: ClinVar variation 1704702 (VCV001704702.2), dbSNP rs575384100, ClinGen allele CA10326302.